The following is an entry in ClinVar:

NM_000059.4(BRCA2):c.8331+1644C>T

Gene: BRCA2 (BRCA2 DNA repair associated; plus strand). Cytogenetic location: 13q13.1.
Variant type: single nucleotide variant.
Coding change: c.8331+1644C>T on transcript NM_000059.4 (MANE Select); 1644 bases into the intron after coding-DNA position 8331, C replaced by T.
Molecular consequence: intron variant.
Genome position (GRCh38, 1-based): chr13:32,365,177, C>T. VCF-style: chr13-32365177-C-T. GRCh37 (hg19) VCF-style: chr13-32939314-C-T.
Other names: IVS 18+1644C>T.
Identifiers: ClinVar variation 209943 (VCV000209943.1), dbSNP rs9534270, ClinGen allele CA276910.

ClinVar aggregate classification (germline): Benign (3 of 4 stars; one submission).

Conditions:
Breast-ovarian cancer, familial, susceptibility to, 2 (BROVCA2). Also called: BRCA2 Hereditary Breast and Ovarian Cancer. Identifiers: Orphanet 145, MedGen C2675520, MONDO:0012933, OMIM 612555. Disease mechanism: loss of function.

Allele frequency attached by ClinVar (database versions not stated): 1000 Genomes Project 30x 0.51405; TOPMed 0.51491; 1000 Genomes Project 0.51777; gnomAD 0.56646 and 0.57074.

Submission:

Evidence-based Network for the Interpretation of Germline Mutant Alleles (ENIGMA)
Classification: Benign for Breast-ovarian cancer, familial 2. Last evaluated: 2015-01-12. Review status: reviewed by expert panel. Criteria: ENIGMA BRCA1/2 Classification Criteria (2015). Collection method: curation. Allele origin: germline.
Comment: Class 1 not pathogenic based on frequency >1% in an outbred sampleset. Frequency 0.5524 (Asian), 0.5206 (African), 0.5396 (European), derived from 1000 genomes (2012-04-30).